The following is an entry in ClinVar:

NM_001370658.1(BTD):c.1148T>G (p.Phe383Cys)

Gene: BTD (biotinidase; plus strand). Cytogenetic location: 3p25.1.
Variant type: single nucleotide variant.
Coding change: c.1148T>G on transcript NM_001370658.1 (MANE Select); coding-DNA position 1148, T replaced by G.
Protein change: p.Phe383Cys; replaces phenylalanine 383 with cysteine.
Molecular consequence: missense variant. On other transcripts: intron variant (2).
Genome position (GRCh38, 1-based): chr3:15,645,064, T>G. VCF-style: chr3-15645064-T-G. GRCh37 (hg19) VCF-style: chr3-15686571-T-G.
Other names: c.1208T>G, p.Phe403Cys (NM_000060.4); c.1148T>G, p.Phe383Cys (NM_001281723.4, NM_001281724.3, NM_001281725.3 and 16 more transcripts); c.1015+133T>G (NM_001370752.1); c.399+3007T>G (NM_001370753.1); short protein forms F383C.
Identifiers: ClinVar variation 439033 (VCV000439033.4), dbSNP rs1553654029, ClinGen allele CA351608318.
Genomic context (GRCh38, chr3:15,645,064, plus strand): 5'-CCACCAAGTGGAACGTGAATGCTCCTCCCACATTTCACTCTGAGATGATGTATGACAATT[T>G]CACCCTGGTCCCTGTCTGGGGAAAGGAAGGCTATCTCCACGTCTGTTCCAATGGCCTCTG-3'
Protein context (NP_001357587.1, residues 373-393): TFHSEMMYDN[Phe383Cys]TLVPVWGKEG

ClinVar aggregate classification (germline): Uncertain significance. Review status: criteria provided, multiple submitters, no conflicts (2 of 4 stars). 2 submissions from 2 submitters: Uncertain significance (2). Last evaluated 2026-04-23.

Submissions (2):

Women's Health and Genetics/Laboratory Corporation of America, LabCorp
Classification: Uncertain significance. Last evaluated: 2026-04-23. Review status: criteria provided, single submitter. Criteria: LabCorp Variant Classification Summary - May 2015. Collection method: clinical testing. Allele origin: germline.
Comment: Variant summary: BTD c.1148T>G (p.Phe383Cys) results in a non-conservative amino acid change in the encoded protein sequence. Algorithms developed to predict the effect of missense changes on protein structure and function are either unavailable or do not agree on the potential impact of this missense change. The variant was absent in 251384 control chromosomes (gnomAD). The available data on variant occurrences in the general population are insufficient to allow any conclusion about variant significance. c.1148T>G has been observed in an individual affected with Biotinidase Deficiency without a second variant reported (Sharma_2024). This report does not provide unequivocal conclusions about association of the variant with Biotinidase Deficiency. A different variant affecting the same codon has been classified as likely pathogenic by our lab (c.1147T>G, p.383Val), supporting the critical relevance of codon 383 to BTD protein function. To our knowledge, no experimental evidence demonstrating an impact on protein function has been reported. The following publication has been ascertained in the context of this evaluation (PMID: 38299772). ClinVar contains an entry for this variant (Variation ID: 439033). Based on the evidence outlined above, the variant was classified as uncertain significance.

Quest Diagnostics Nichols Institute San Juan Capistrano
Classification: Uncertain significance. Last evaluated: 2017-01-10. Review status: criteria provided, single submitter. Criteria: Quest Diagnostics criteria. Collection method: clinical testing. Allele origin: germline.

Literature cited by the submitters: PubMed 38299772 (cited by Women's Health and Genetics/Laboratory Corporation of America, LabCorp).